The following is an entry in ClinVar:

NM_001371904.1(APOA5):c.317G>A (p.Arg106His)

Gene: APOA5 (apolipoprotein A5; minus strand). Cytogenetic location: 11q23.3.
Variant type: single nucleotide variant.
Coding change: c.317G>A on transcript NM_001371904.1 (MANE Select); coding-DNA position 317, G replaced by A.
Protein change: p.Arg106His; replaces arginine 106 with histidine.
Molecular consequence: missense variant.
Genome position (GRCh38, 1-based): chr11:116,790,912, C>T on the plus strand (G>A on the coding strand, the complement: APOA5 is on the minus strand). VCF-style: chr11-116790912-C-T. GRCh37 (hg19) VCF-style: chr11-116661628-C-T.
Other names: c.317G>A, p.Arg106His (NM_001166598.2, NM_052968.5); short protein forms R106H.
Identifiers: ClinVar variation 1728523 (VCV001728523.2), dbSNP rs1434092204, ClinGen allele CA382739189.

ClinVar aggregate classification (germline): Uncertain significance (1 of 4 stars; one submission).

Conditions:
Cardiovascular phenotype. Identifiers: MedGen CN230736.

Allele frequency attached by ClinVar (database versions not stated): gnomAD exomes below 0.00001; gnomAD 0.00001; TOPMed 0.00001.

Submission:

Ambry Genetics
Classification: Uncertain significance for Cardiovascular phenotype. Last evaluated: 2022-01-26. Review status: criteria provided, single submitter. Criteria: Ambry Variant Classification Scheme 2023. Collection method: clinical testing. Allele origin: germline.
Comment: The p.R106H variant (also known as c.317G>A), located in coding exon 3 of the APOA5 gene, results from a G to A substitution at nucleotide position 317. The arginine at codon 106 is replaced by histidine, an amino acid with highly similar properties. This amino acid position is conserved. In addition, the in silico prediction for this alteration is inconclusive. Since supporting evidence is limited at this time, the clinical significance of this alteration remains unclear.